The following is an entry in ClinVar:

ClinVar aggregate classification (germline): Pathogenic/Likely pathogenic. Review status: criteria provided, multiple submitters, no conflicts (2 of 4 stars). 2 submissions from 2 submitters: Pathogenic (1); Likely pathogenic (1). Last evaluated 2024-02-20.

Conditions:
Familial cancer of breast. Also called: BREAST CANCER, FAMILIAL; Hereditary breast cancer; hereditary breast carcinoma. Identifiers: Orphanet 227535, MedGen C0346153, MONDO:0016419, OMIM 114480. Disease mechanism: loss of function.
Fanconi anemia complementation group J. Also called: BRIP1-Related Fanconi Anemia. Identifiers: Orphanet 84, MedGen C1836860, MONDO:0012187, OMIM 609054.
Familial ovarian cancer. Identifiers: MedGen C5679802, MONDO:0016248.

Submissions (2):

Department of Pathology and Laboratory Medicine, Sinai Health System
Classification: Likely pathogenic for familial ovarian cancer. Last evaluated: 2024-02-20. Review status: criteria provided, single submitter. Criteria: ACMG Guidelines, 2015. Collection method: clinical testing. Allele origin: germline. Affected: no.

Labcorp Genetics (formerly Invitae), Labcorp
Classification: Pathogenic for Familial cancer of breast; Fanconi anemia complementation group J. Last evaluated: 2021-11-16. Review status: criteria provided, single submitter. Criteria: Invitae Variant Classification Sherloc (09022015). Collection method: clinical testing. Allele origin: germline.
Comment: For these reasons, this variant has been classified as Pathogenic. This variant has not been reported in the literature in individuals affected with BRIP1-related conditions. This variant is not present in population databases (gnomAD no frequency). This sequence change creates a premature translational stop signal (p.Tyr742*) in the BRIP1 gene. It is expected to result in an absent or disrupted protein product. Loss-of-function variants in BRIP1 are known to be pathogenic (PMID: 16116423, 17033622, 21964575).

Literature cited by the submitters: PubMed 16116423 (cited by Labcorp Genetics (formerly Invitae), Labcorp); PubMed 17033622 (cited by Labcorp Genetics (formerly Invitae), Labcorp); PubMed 21964575 (cited by Labcorp Genetics (formerly Invitae), Labcorp).

NM_032043.3(BRIP1):c.2226C>G (p.Tyr742Ter)

Gene: BRIP1 (BRCA1 interacting DNA helicase 1; minus strand). Cytogenetic location: 17q23.2.
Variant type: single nucleotide variant.
Coding change: c.2226C>G on transcript NM_032043.3 (MANE Select); coding-DNA position 2226, C replaced by G.
Protein change: p.Tyr742Ter; replaces tyrosine 742 with a stop codon.
Molecular consequence: nonsense.
Genome position (GRCh38, 1-based): chr17:61,744,463, G>C on the plus strand (C>G on the coding strand, the complement: BRIP1 is on the minus strand). VCF-style: chr17-61744463-G-C. GRCh37 (hg19) VCF-style: chr17-59821824-G-C.
Other names: short protein forms Y742*.
Identifiers: ClinVar variation 1385233 (VCV001385233.8), dbSNP rs2144696024, ClinGen allele CA400482919.
Genomic context (GRCh38, chr17:61,744,463, plus strand): 5'-TCACCGACCATGAAATAATTTCCAGTTACCTTTCTCTCCTTTGTATTTGATTGCGTCATA[G>C]TACACCTGCAGTAATTCATCAAAATTTGTTTTTTCTCCTCCCTGTGGTTCTACAATGACT-3'